The following is an entry in ClinVar:

ClinVar aggregate classification (germline): Uncertain significance (1 of 4 stars; one submission).

gnomAD v4.1: 1 of 1,613,430 alleles (0.000062%); highest among the groups gnomAD compares: Non-Finnish European, 0.000085%; no homozygotes.

Submission:

GeneDx
Classification: Uncertain significance. Last evaluated: 2024-11-07. Review status: criteria provided, single submitter. Criteria: GeneDx Variant Classification Process June 2021. Collection method: clinical testing. Allele origin: germline. Affected: yes.
Comment: Not observed at significant frequency in large population cohorts (gnomAD); In silico analysis supports that this missense variant has a deleterious effect on protein structure/function; In silico analysis supports that this missense variant has a deleterious effect on splicing; Has not been previously published as pathogenic or benign to our knowledge

NM_025132.4(WDR19):c.3808T>G (p.Cys1270Gly)

Gene: WDR19 (WD repeat domain 19; plus strand). Cytogenetic location: 4p14.
Variant type: single nucleotide variant.
Coding change: c.3808T>G on transcript NM_025132.4 (MANE Select); coding-DNA position 3808, T replaced by G.
Protein change: p.Cys1270Gly; replaces cysteine 1270 with glycine.
Molecular consequence: missense variant.
Genome position (GRCh38, 1-based): chr4:39,277,111, T>G. VCF-style: chr4-39277111-T-G. GRCh37 (hg19) VCF-style: chr4-39278731-T-G.
Other names: c.3328T>G, p.Cys1110Gly (NM_001317924.2); short protein forms C1110G, C1270G.
Identifiers: ClinVar variation 3899099 (VCV003899099.1).